The following is an entry in ClinVar:

NM_000256.3(MYBPC3):c.3305T>A (p.Val1102Glu)

Gene: MYBPC3 (myosin binding protein C3; minus strand). Cytogenetic location: 11p11.2.
Variant type: single nucleotide variant.
Coding change: c.3305T>A on transcript NM_000256.3 (MANE Select); coding-DNA position 3305, T replaced by A.
Protein change: p.Val1102Glu; replaces valine 1102 with glutamic acid.
Molecular consequence: missense variant.
Genome position (GRCh38, 1-based): chr11:47,333,219, A>T on the plus strand (T>A on the coding strand, the complement: MYBPC3 is on the minus strand). VCF-style: chr11-47333219-A-T. GRCh37 (hg19) VCF-style: chr11-47354770-A-T.
Other names: p.V1102E:GTG>GAG; c.3305T>A, p.Val1102Glu (LRG_386t1); short protein forms V1102E.
Identifiers: ClinVar variation 181005 (VCV000181005.5), dbSNP rs730880590, ClinGen allele CA013860.

ClinVar aggregate classification (germline): Conflicting classifications of pathogenicity. Review status: criteria provided, conflicting classifications (1 of 4 stars). 2 submissions from 2 submitters: Likely pathogenic (1); Uncertain significance (1). Last evaluated 2024-12-04.

Conditions:
Hypertrophic cardiomyopathy. Also called: HYPERTROPHIC MYOCARDIOPATHY. Identifiers: Orphanet 217569, MedGen C0007194, MeSH D002312, MONDO:0005045, HP:0001639.

Submissions (2):

Labcorp Genetics (formerly Invitae), Labcorp
Classification: Uncertain significance for Hypertrophic cardiomyopathy. Last evaluated: 2024-12-04. Review status: criteria provided, single submitter. Criteria: Invitae Variant Classification Sherloc (09022015). Collection method: clinical testing. Allele origin: germline.
Comment: This sequence change replaces valine, which is neutral and non-polar, with glutamic acid, which is acidic and polar, at codon 1102 of the MYBPC3 protein (p.Val1102Glu). This variant is not present in population databases (gnomAD no frequency). This missense change has been observed in individual(s) with hypertrophic cardiomyopathy (PMID: 29121657). ClinVar contains an entry for this variant (Variation ID: 181005). An algorithm developed to predict the effect of missense changes on protein structure and function (PolyPhen-2) suggests that this variant is likely to be disruptive. In summary, the available evidence is currently insufficient to determine the role of this variant in disease. Therefore, it has been classified as a Variant of Uncertain Significance.

GeneDx
Classification: Likely pathogenic. Last evaluated: 2014-06-12. Review status: criteria provided, single submitter. Criteria: GeneDx Variant Classification (06012015). Collection method: clinical testing. Allele origin: germline. Affected: yes.
Comment: This variant is denoted p.Val1102Glu (GTG>GAG): c.3305 T>A in exon 30 of the MYBPC3 gene (NM_000256.3). The V1102E variant that is likely pathogenic was identified in the MYBPC3 gene. It has not been published as a mutation, nor has it been reported as a benign polymorphism to our knowledge. The V1102E variant was not observed in approximately 6,200 individuals of European and African American ancestry in the NHLBI Exome Sequencing Project, indicating it is not a common benign variant in these populations. The V1102E variant is a non-conservative amino acid substitution, which is likely to impact secondary protein structure as these residues differ in polarity, charge, size and/or other properties. This substitution occurs at a position that is conserved in mammals. In silico analysis predicts this variant is probably damaging to the protein structure/function. Furthermore, missense mutations in nearby residues (T1109I, E1111G) have been reported in association with HCM, supporting the functional importance of this region of the protein.Therefore, this variant is a strong candidate for a pathogenic mutation, however the possibility that it is a benign variant cannot be excluded. The variant is found in HCM panel(s).

Literature cited by the submitters: PubMed 29121657 (cited by Labcorp Genetics (formerly Invitae), Labcorp).